The following is an entry in ClinVar:

NM_006662.3(SRCAP):c.3877C>T (p.Leu1293Phe)

Gene: SRCAP (Snf2 related CREBBP activator protein; plus strand). Cytogenetic location: 16p11.2.
Variant type: single nucleotide variant.
Coding change: c.3877C>T on transcript NM_006662.3 (MANE Select); coding-DNA position 3877, C replaced by T.
Protein change: p.Leu1293Phe; replaces leucine 1293 with phenylalanine.
Molecular consequence: missense variant.
Genome position (GRCh38, 1-based): chr16:30,722,733, C>T. VCF-style: chr16-30722733-C-T. GRCh37 (hg19) VCF-style: chr16-30734054-C-T.
Other names: short protein forms L1293F.
Identifiers: ClinVar variation 1716132 (VCV001716132.5), dbSNP rs2506672223, ClinGen allele CA395614889.

ClinVar aggregate classification (germline): Uncertain significance (1 of 4 stars; one submission).

Submission:

Labcorp Genetics (formerly Invitae), Labcorp
Classification: Uncertain significance. Last evaluated: 2022-08-11. Review status: criteria provided, single submitter. Criteria: Invitae Variant Classification Sherloc (09022015). Collection method: clinical testing. Allele origin: germline.
Comment: In summary, the available evidence is currently insufficient to determine the role of this variant in disease. Therefore, it has been classified as a Variant of Uncertain Significance. Algorithms developed to predict the effect of missense changes on protein structure and function are either unavailable or do not agree on the potential impact of this missense change (SIFT: "Deleterious"; PolyPhen-2: "Not Available"; Align-GVGD: "Class C0"). This variant has not been reported in the literature in individuals affected with SRCAP-related conditions. This variant is not present in population databases (gnomAD no frequency). This sequence change replaces leucine, which is neutral and non-polar, with phenylalanine, which is neutral and non-polar, at codon 1293 of the SRCAP protein (p.Leu1293Phe).